The following is an entry in ClinVar:

ClinVar aggregate classification (germline): Uncertain significance. Review status: criteria provided, multiple submitters, no conflicts (2 of 4 stars). 2 submissions from 2 submitters: Uncertain significance (2). Last evaluated 2025-07-09.

Conditions:
IRF2BPL-related disorder. Also called: IRF2BPL-related condition. Identifiers: MedGen CN381093.

Submissions (2):

GeneDx
Classification: Uncertain significance. Last evaluated: 2025-07-09. Review status: criteria provided, single submitter. Criteria: GeneDx Variant Classification Process June 2021. Collection method: clinical testing. Allele origin: germline. Affected: yes.
Comment: In silico analysis supports that this missense variant has a deleterious effect on protein structure/function; Has not been previously published as pathogenic or benign to our knowledge

PreventionGenetics, part of Exact Sciences
Classification: Uncertain significance for IRF2BPL-related condition. Last evaluated: 2025-05-28. Review status: criteria provided, single submitter. Criteria: ACMG Guidelines, 2015. Collection method: clinical testing. Allele origin: germline.
Comment: The IRF2BPL c.137G>A variant is predicted to result in the amino acid substitution p.Arg46His. To our knowledge, this variant has not been reported in the literature. This variant is reported in 0.0066% of alleles in individuals of South Asian descent in gnomAD. At this time, the clinical significance of this variant is uncertain due to the absence of conclusive functional and genetic evidence.

NM_024496.4(IRF2BPL):c.137G>A (p.Arg46His)

Genes: IRF2BPL (interferon regulatory factor 2 binding protein like; minus strand), LOC107984638 (uncharacterized LOC107984638; plus strand). Cytogenetic location: 14q24.3.
Variant type: single nucleotide variant.
Coding change: c.137G>A on transcript NM_024496.4 (MANE Select); coding-DNA position 137, G replaced by A.
Protein change: p.Arg46His; replaces arginine 46 with histidine.
Molecular consequence: missense variant. On other transcripts: non-coding transcript variant (3).
Genome position (GRCh38, 1-based): chr14:77,027,656, C>T on the plus strand (G>A on the coding strand, the complement: IRF2BPL is on the minus strand). VCF-style: chr14-77027656-C-T. GRCh37 (hg19) VCF-style: chr14-77493999-C-T.
Other names: short protein forms R46H.
Identifiers: ClinVar variation 4685011 (VCV004685011.2).